The following is an entry in ClinVar:

NM_206933.4(USH2A):c.69del (p.Tyr24fs)

Gene: USH2A (usherin; minus strand). Cytogenetic location: 1q41.
Variant type: Deletion.
Coding change: c.69del on transcript NM_206933.4 (MANE Select); coding-DNA position 69, one base deleted (C; older notation c.69delC).
Protein change: p.Tyr24fs; shifts the reading frame from tyrosine 24.
Molecular consequence: frameshift variant.
Genome position (GRCh38, 1-based): chr1:216,422,268, G deleted on the plus strand (C on the coding strand, the reverse complement: USH2A is on the minus strand); the first of 2 consecutive G bases (chr1:216,422,268-216,422,269); deleting either gives the same sequence. VCF-style (leftmost placement, unchanged base first): chr1-216422267-AG-A. GRCh37 (hg19) VCF-style: chr1-216595609-AG-A.
Other names: c.69del, p.Tyr24fs (NM_007123.6); short protein forms Y24fs.
Identifiers: ClinVar variation 1351865 (VCV001351865.7), dbSNP rs2102789194, ClinGen allele CA2573132664.

ClinVar aggregate classification (germline): Pathogenic/Likely pathogenic. Review status: criteria provided, multiple submitters, no conflicts (2 of 4 stars). 2 submissions from 2 submitters: Pathogenic (1); Likely pathogenic (1). Last evaluated 2023-06-15.

Conditions:
Retinitis pigmentosa 39 (RP39). Identifiers: Orphanet 791, MedGen C3151138, MONDO:0013436, OMIM 613809.

Submissions (2):

Baylor Genetics
Classification: Likely pathogenic for Retinitis pigmentosa 39. Last evaluated: 2023-06-15. Review status: criteria provided, single submitter. Criteria: ACMG Guidelines, 2015. Collection method: clinical testing. Allele origin: unknown.

Labcorp Genetics (formerly Invitae), Labcorp
Classification: Pathogenic. Last evaluated: 2021-11-07. Review status: criteria provided, single submitter. Criteria: Invitae Variant Classification Sherloc (09022015). Collection method: clinical testing. Allele origin: germline.
Comment: For these reasons, this variant has been classified as Pathogenic. This variant has not been reported in the literature in individuals affected with USH2A-related conditions. This variant is not present in population databases (gnomAD no frequency). This sequence change creates a premature translational stop signal (p.Tyr24Ilefs*7) in the USH2A gene. It is expected to result in an absent or disrupted protein product. Loss-of-function variants in USH2A are known to be pathogenic (PMID: 10729113, 10909849, 20507924, 25649381).

Literature cited by the submitters: PubMed 10729113 (cited by Labcorp Genetics (formerly Invitae), Labcorp); PubMed 10909849 (cited by Labcorp Genetics (formerly Invitae), Labcorp); PubMed 20507924 (cited by Labcorp Genetics (formerly Invitae), Labcorp); PubMed 25649381 (cited by Labcorp Genetics (formerly Invitae), Labcorp).